The following is an entry in ClinVar:

ClinVar aggregate classification (germline): Conflicting classifications of pathogenicity. Review status: criteria provided, conflicting classifications (1 of 4 stars). 7 submissions from 7 submitters: Uncertain significance (4); Likely benign (1). 2 of the submissions do not count toward it. Last evaluated 2025-09-28.

Conditions:
TSC2-related disorder. Also called: TSC2-related condition; TSC2-Related Disorders.
Lymphangiomyomatosis (LAM). Also called: Lymphangioleiomyomatosis; Lymphangioleiomyomatosis, somatic. Identifiers: Orphanet 538, MedGen C0751674, MONDO:0011705, OMIM 606690.
Tuberous sclerosis 2 (TSC2). Identifiers: Orphanet 805, MedGen C1860707, MONDO:0013199, OMIM 613254.
Isolated focal cortical dysplasia type II (FCORD2). Also called: CORTICAL DYSPLASIA OF TAYLOR; Focal cortical dysplasia type II. Identifiers: Orphanet 268994, MedGen C1846385, MONDO:0011818, OMIM 607341, HP:0032051.
Hereditary cancer-predisposing syndrome. Also called: Neoplastic Syndromes, Hereditary; Tumor predisposition; Hereditary Cancer Syndrome; Hereditary neoplastic syndrome. Identifiers: Orphanet 140162, MedGen C0027672, MeSH D009386, MONDO:0015356.
Tuberous sclerosis syndrome (TSC). Also called: Tuberous Sclerosis Complex; Tuberous sclerosis. Identifiers: Orphanet 805, MedGen C0041341, MONDO:0001734.

Allele frequency attached by ClinVar (database versions not stated): gnomAD exomes below 0.00001 and 0.00001; TOPMed 0.00001.

Submissions (7):

Ambry Genetics
Classification: Uncertain significance for Hereditary cancer-predisposing syndrome. Last evaluated: 2025-09-28. Review status: criteria provided, single submitter. Criteria: Ambry Variant Classification Scheme 2023. Collection method: clinical testing. Allele origin: germline.
Comment: The p.F933C variant (also known as c.2798T>G), located in coding exon 24 of the TSC2 gene, results from a T to G substitution at nucleotide position 2798. The phenylalanine at codon 933 is replaced by cysteine, an amino acid with highly dissimilar properties. This variant was reported in a cohort of patients with an autism spectrum disorder (Bahl S et al. Mol Autism, 2013 Mar;4:5). This amino acid position is highly conserved in available vertebrate species. In addition, this alteration is predicted to be deleterious by in silico analysis. Since supporting evidence is limited at this time, the clinical significance of this alteration remains unclear.

Labcorp Genetics (formerly Invitae), Labcorp
Classification: Likely benign for Tuberous sclerosis 2. Last evaluated: 2025-08-03. Review status: criteria provided, single submitter. Criteria: Invitae Variant Classification Sherloc (09022015). Collection method: clinical testing. Allele origin: germline.

All of Us Research Program, National Institutes of Health
Classification: Uncertain significance for Tuberous sclerosis syndrome. Last evaluated: 2024-02-05. Review status: criteria provided, single submitter. Criteria: ACMG Guidelines, 2015. Collection method: clinical testing. Allele origin: germline. Inheritance: Autosomal dominant inheritance. Observed: 1 variant allele, 1 heterozygote.
Comment: This missense variant replaces phenylalanine with cysteine at codon 933 of the TSC2 protein. Computational prediction is inconclusive regarding the impact of this variant on protein structure and function (internally defined REVEL score threshold 0.5 < inconclusive < 0.7, PMID: 27666373). To our knowledge, functional studies have not been reported for this variant. This variant has not been reported in individuals affected with TSC2-related disorders in the literature. This variant has been identified in 2/250864 chromosomes in the general population by the Genome Aggregation Database (gnomAD). The available evidence is insufficient to determine the role of this variant in disease conclusively. Therefore, this variant is classified as a Variant of Uncertain Significance.

This study involves interpretation of variants in research participants for the purpose of population health screening. Participant phenotype was not available at the time of variant classification. Additional details can be found in publication PMID: 35346344, PMCID: PMC8962531

Fulgent Genetics
Classification: Uncertain significance for Lymphangiomyomatosis; Isolated focal cortical dysplasia type II; Tuberous sclerosis 2. Last evaluated: 2023-12-29. Review status: criteria provided, single submitter. Criteria: ACMG Guidelines, 2015. Collection method: clinical testing. Allele origin: germline.

Color Diagnostics, LLC DBA Color Health
Classification: Uncertain significance for Tuberous sclerosis syndrome. Last evaluated: 2023-11-30. Review status: criteria provided, single submitter. Criteria: ACMG Guidelines, 2015. Collection method: clinical testing. Allele origin: germline.
Comment: This missense variant replaces phenylalanine with cysteine at codon 933 of the TSC2 protein. Computational prediction is inconclusive regarding the impact of this variant on protein structure and function (internally defined REVEL score threshold 0.5 < inconclusive < 0.7, PMID: 27666373). To our knowledge, functional studies have not been reported for this variant. This variant has not been reported in individuals affected with TSC2-related disorders in the literature. This variant has been identified in 2/250864 chromosomes in the general population by the Genome Aggregation Database (gnomAD). The available evidence is insufficient to determine the role of this variant in disease conclusively. Therefore, this variant is classified as a Variant of Uncertain Significance.

PreventionGenetics, part of Exact Sciences
Classification: Uncertain significance for TSC2-related condition. Last evaluated: 2024-07-29. Review status: no assertion criteria provided. Collection method: clinical testing. Allele origin: germline. Not counted in ClinVar's aggregate classification.
Comment: The TSC2 c.2798T>G variant is predicted to result in the amino acid substitution p.Phe933Cys. To our knowledge, this variant has not been reported in the literature. In the LOVD database specific to TSC2 variants, it is reported by one submitter to not impact TSC2 function and is classified as benign and VUS. This variant is reported in 0.0058% of alleles in individuals of Latino descent in gnomAD. At this time, the clinical significance of this variant is uncertain due to the absence of conclusive functional and genetic evidence.

Tuberous sclerosis database (TSC2)
No classification provided. Condition: TSC. Review status: no classification provided. Criteria: Tuberous Sclerosis Database Assertion Criteria 2015. Collection method: curation. Allele origin: germline. Affected: yes. Not counted in ClinVar's aggregate classification.

Literature cited by the submitters: PubMed 23514105 (cited by Ambry Genetics).

NM_000548.5(TSC2):c.2798T>G (p.Phe933Cys)

Gene: TSC2 (TSC complex subunit 2; plus strand). Cytogenetic location: 16p13.3.
Variant type: single nucleotide variant.
Coding change: c.2798T>G on transcript NM_000548.5 (MANE Select); coding-DNA position 2798, T replaced by G.
Protein change: p.Phe933Cys; replaces phenylalanine 933 with cysteine.
Molecular consequence: missense variant.
Genome position (GRCh38, 1-based): chr16:2,076,546, T>G. VCF-style: chr16-2076546-T-G. GRCh37 (hg19) VCF-style: chr16-2126547-T-G.
Other names: c.2798T>G, p.Phe933Cys (NM_001077183.3, NM_001114382.3, NM_001363528.2 and 3 more transcripts); c.2687T>G, p.Phe896Cys (NM_001318827.2); c.2651T>G, p.Phe884Cys (NM_001318829.2); c.2198T>G, p.Phe733Cys (NM_001318831.2); c.2831T>G, p.Phe944Cys (NM_001318832.2); c.2798T>G (NM_000548.4); short protein forms F933C, F733C, F884C, F896C, F944C.
Identifiers: ClinVar variation 49233 (VCV000049233.18), dbSNP rs45517269, ClinGen allele CA018204.